The following is an entry in ClinVar:

ClinVar aggregate classification (germline): Uncertain significance (1 of 4 stars; one submission).

Conditions:
Immunodeficiency, common variable, 10. Also called: DEFICIT IN ANTERIOR PITUITARY FUNCTION AND VARIABLE IMMUNODEFICIENCY; IMMUNODEFICIENCY, COMMON VARIABLE, WITH CENTRAL ADRENAL INSUFFICIENCY. Identifiers: MedGen C3809991, MONDO:0014260, OMIM 615577.

Allele frequency attached by ClinVar (database versions not stated): ExAC 0.00001; gnomAD 0.00001; 1000 Genomes Project 30x 0.00016.

Submission:

Labcorp Genetics (formerly Invitae), Labcorp
Classification: Uncertain significance for Immunodeficiency, common variable, 10. Last evaluated: 2023-06-03. Review status: criteria provided, single submitter. Criteria: Invitae Variant Classification Sherloc (09022015). Collection method: clinical testing. Allele origin: germline.
Comment: This sequence change replaces alanine, which is neutral and non-polar, with valine, which is neutral and non-polar, at codon 534 of the NFKB2 protein (p.Ala534Val). The frequency data for this variant in the population databases is considered unreliable, as metrics indicate poor data quality at this position in the gnomAD database. This variant has not been reported in the literature in individuals affected with NFKB2-related conditions. ClinVar contains an entry for this variant (Variation ID: 1358007). An algorithm developed to predict the effect of missense changes on protein structure and function (PolyPhen-2) suggests that this variant is likely to be disruptive. In summary, the available evidence is currently insufficient to determine the role of this variant in disease. Therefore, it has been classified as a Variant of Uncertain Significance.

NM_001322934.2(NFKB2):c.1601C>T (p.Ala534Val)

Gene: NFKB2 (nuclear factor kappa B subunit 2; plus strand). Cytogenetic location: 10q24.32.
Variant type: single nucleotide variant.
Coding change: c.1601C>T on transcript NM_001322934.2 (MANE Select); coding-DNA position 1601, C replaced by T.
Protein change: p.Ala534Val; replaces alanine 534 with valine.
Molecular consequence: missense variant.
Genome position (GRCh38, 1-based): chr10:102,400,294, C>T. VCF-style: chr10-102400294-C-T. GRCh37 (hg19) VCF-style: chr10-104160051-C-T.
Other names: c.1601C>T, p.Ala534Val (NM_001077494.3, NM_001261403.3, NM_001288724.1 and 1 more transcripts); c.1475C>T, p.Ala492Val (NM_001322935.1); short protein forms A534V, A492V.
Identifiers: ClinVar variation 1358007 (VCV001358007.8), dbSNP rs759174968, ClinGen allele CA5664861.